The following is an entry in ClinVar:

ClinVar aggregate classification (germline): Uncertain significance (1 of 4 stars; one submission).

Submission:

CeGaT Center for Human Genetics Tuebingen
Classification: Uncertain significance. Last evaluated: 2022-11-01. Review status: criteria provided, single submitter. Criteria: CeGaT Center For Human Genetics Tuebingen Variant Classification Criteria Version 2. Collection method: clinical testing. Allele origin: germline. Affected: yes. Observed: 1 variant allele.
Comment: CAMK2A: PM2, PVS1:Moderate

NM_015981.4(CAMK2A):c.1017+1G>A

Gene: CAMK2A (calcium/calmodulin dependent protein kinase II alpha; minus strand). Cytogenetic location: 5q32.
Variant type: single nucleotide variant.
Coding change: c.1017+1G>A on transcript NM_015981.4 (MANE Select); the canonical splice donor site of the intron after coding-DNA position 1017, G replaced by A.
Molecular consequence: splice donor variant. On other transcripts: intron variant (3).
Genome position (GRCh38, 1-based): chr5:150,239,703, C>T on the plus strand (G>A on the coding strand, the complement: CAMK2A is on the minus strand). VCF-style: chr5-150239703-C-T. GRCh37 (hg19) VCF-style: chr5-149619266-C-T.
Other names: c.985-955G>A (NM_001363990.1, NM_171825.3, NM_001369025.2); c.1017+1G>A (NM_001363989.1).
Identifiers: ClinVar variation 1879635 (VCV001879635.29), dbSNP rs2532281595, ClinGen allele CA361745936.